The following is an entry in ClinVar:

ClinVar aggregate classification (germline): Pathogenic (1 of 4 stars; one submission).

Conditions:
Glycogen storage disease, type V (GSD5). Also called: MCARDLE DISEASE; MUSCLE GLYCOGEN PHOSPHORYLASE DEFICIENCY; MYOPHOSPHORYLASE DEFICIENCY; PYGM DEFICIENCY; McArdle type glycogen storage disease. Identifiers: Orphanet 368, MedGen C0017924, MONDO:0009293, OMIM 232600.

Submission:

Labcorp Genetics (formerly Invitae), Labcorp
Classification: Pathogenic for Glycogen storage disease, type V. Last evaluated: 2021-05-16. Review status: criteria provided, single submitter. Criteria: Invitae Variant Classification Sherloc (09022015). Collection method: clinical testing. Allele origin: germline.
Comment: This sequence change creates a premature translational stop signal (p.Val453Alafs*84) in the PYGM gene. It is expected to result in an absent or disrupted protein product. Loss-of-function variants in PYGM are known to be pathogenic (PMID: 8316268, 16786513). This variant is not present in population databases (ExAC no frequency). This variant has not been reported in the literature in individuals with PYGM-related conditions. For these reasons, this variant has been classified as Pathogenic.

Literature cited by the submitters: PubMed 8316268; PubMed 16786513.

NM_005609.4(PYGM):c.1358_1364del (p.Val453fs)

Gene: PYGM (glycogen phosphorylase, muscle associated; minus strand). Cytogenetic location: 11q13.1.
Variant type: Deletion.
Coding change: c.1358_1364del on transcript NM_005609.4 (MANE Select); coding-DNA positions 1358 to 1364, 7 bases deleted (TCAACGG; older notation c.1358_1364delTCAACGG).
Protein change: p.Val453fs; shifts the reading frame from valine 453.
Molecular consequence: frameshift variant.
Genome position (GRCh38, 1-based): chr11:64,753,558-64,753,564, CCGTTGA deleted on the plus strand (TCAACGG on the coding strand, the reverse complement: PYGM is on the minus strand); deleting any 7 consecutive bases within chr11:64,753,558-64,753,565 gives the same sequence; the c. name uses the placement nearest the transcript's 3' end. VCF-style (leftmost placement, unchanged base first): chr11-64753557-GCCGTTGA-G. GRCh37 (hg19) VCF-style: chr11-64521029-GCCGTTGA-G.
Other names: c.1094_1100del, p.Val365fs (NM_001164716.1); short protein forms V453fs, V365fs.
Identifiers: ClinVar variation 1451644 (VCV001451644.6), dbSNP rs2135833005, ClinGen allele CA2573147421.
Genomic context (GRCh38, chr11:64,753,557, plus strand): 5'-GGATCTGGAAAGCGGGGCTCACATGGTCTTCTTGAGGATCTCGGAGTGGATGCGCGCCAC[GCCGTTGA>G]CGGCGTGCGACCCCGCGATGCACAGGTGTGCCATGTTGATGCGCTTCACTGCGCCCTCCT-3'